The following is an entry in ClinVar:

ClinVar aggregate classification (germline): Pathogenic (1 of 4 stars; one submission).

Conditions:
Hereditary cancer-predisposing syndrome. Also called: Tumor predisposition; Neoplastic Syndromes, Hereditary; Hereditary Cancer Syndrome; Hereditary neoplastic syndrome. Identifiers: Orphanet 140162, MedGen C0027672, MeSH D009386, MONDO:0015356.

Submission:

Ambry Genetics
Classification: Pathogenic for Hereditary cancer-predisposing syndrome. Last evaluated: 2024-08-01. Review status: criteria provided, single submitter. Criteria: Ambry Variant Classification Scheme 2023. Collection method: clinical testing. Allele origin: germline.
Comment: The c.8672delC pathogenic mutation, located in coding exon 20 of the BRCA2 gene, results from a deletion of one nucleotide at nucleotide position 8672, causing a translational frameshift with a predicted alternate stop codon (p.T2891Kfs*18). This variant is considered to be rare based on population cohorts in the Genome Aggregation Database (gnomAD). This alteration is expected to result in loss of function by premature protein truncation or nonsense-mediated mRNA decay. As such, this alteration is interpreted as a disease-causing mutation.

NM_000059.4(BRCA2):c.8672del (p.Thr2891fs)

Gene: BRCA2 (BRCA2 DNA repair associated; plus strand). Cytogenetic location: 13q13.1.
Variant type: Deletion.
Coding change: c.8672del on transcript NM_000059.4 (MANE Select); coding-DNA position 8672, one base deleted (C; older notation c.8672delC).
Protein change: p.Thr2891fs; shifts the reading frame from threonine 2891.
Molecular consequence: frameshift variant. On other transcripts: non-coding transcript variant (1).
Genome position (GRCh38, 1-based): chr13:32,376,709, C deleted. VCF-style (leftmost placement, unchanged base first): chr13-32376708-AC-A. GRCh37 (hg19) VCF-style: chr13-32950845-AC-A.
Other names: c.8576del, p.Thr2859fs (NM_001406719.1); c.8672del, p.Thr2891fs (NM_001406720.1, NM_001432077.1); c.3740del, p.Thr1247fs (NM_001406721.1); c.2255del, p.Thr752fs (NM_001406722.1); short protein forms T1247fs, T2891fs, T752fs, T2859fs.
Identifiers: ClinVar variation 3482031 (VCV003482031.1).